The following is an entry in ClinVar:

NM_032043.3(BRIP1):c.1795-16T>G

Gene: BRIP1 (BRCA1 interacting DNA helicase 1; minus strand). Cytogenetic location: 17q23.2.
Variant type: single nucleotide variant.
Coding change: c.1795-16T>G on transcript NM_032043.3 (MANE Select); 16 bases into the intron before coding-DNA position 1795, T replaced by G.
Molecular consequence: intron variant.
Genome position (GRCh38, 1-based): chr17:61,780,417, A>C on the plus strand (T>G on the coding strand, the complement: BRIP1 is on the minus strand). VCF-style: chr17-61780417-A-C. GRCh37 (hg19) VCF-style: chr17-59857778-A-C.
Identifiers: ClinVar variation 2953964 (VCV002953964.3), dbSNP rs2545021664, ClinGen allele CA2740093860.

ClinVar aggregate classification (germline): Uncertain significance (1 of 4 stars; one submission).

Conditions:
Familial cancer of breast. Also called: BREAST CANCER, FAMILIAL; hereditary breast carcinoma; Hereditary breast cancer. Identifiers: Orphanet 227535, MedGen C0346153, MONDO:0016419, OMIM 114480. Disease mechanism: loss of function.
Fanconi anemia complementation group J. Also called: BRIP1-Related Fanconi Anemia. Identifiers: Orphanet 84, MedGen C1836860, MONDO:0012187, OMIM 609054.

Submission:

Labcorp Genetics (formerly Invitae), Labcorp
Classification: Uncertain significance for Familial cancer of breast; Fanconi anemia complementation group J. Last evaluated: 2023-11-17. Review status: criteria provided, single submitter. Criteria: Invitae Variant Classification Sherloc (09022015). Collection method: clinical testing. Allele origin: germline.
Comment: This sequence change falls in intron 12 of the BRIP1 gene. It does not directly change the encoded amino acid sequence of the BRIP1 protein. This variant is not present in population databases (gnomAD no frequency). This variant has not been reported in the literature in individuals affected with BRIP1-related conditions. Studies have shown that this variant is associated with inconclusive levels of altered splicing (Invitae). In summary, the available evidence is currently insufficient to determine the role of this variant in disease. Therefore, it has been classified as a Variant of Uncertain Significance.